The following is an entry in ClinVar:

ClinVar aggregate classification (germline): Pathogenic. Review status: criteria provided, multiple submitters, no conflicts (2 of 4 stars). 6 submissions from 6 submitters: Pathogenic (6). Last evaluated 2025-03-17.

Conditions:
Hereditary nonpolyposis colorectal neoplasms. Identifiers: MedGen C0009405, MeSH D003123.
Hereditary cancer-predisposing syndrome. Also called: Tumor predisposition; Hereditary neoplastic syndrome; Neoplastic Syndromes, Hereditary; Hereditary Cancer Syndrome. Identifiers: Orphanet 140162, MedGen C0027672, MeSH D009386, MONDO:0015356.
Lynch syndrome. Identifiers: Orphanet 144, MedGen C4552100, MONDO:0005835. Disease mechanism: loss of function.
Lynch syndrome 5 (LYNCH5). Also called: Colorectal cancer, hereditary nonpolyposis, type 5; Hereditary non-polyposis colorectal cancer, type 5. Identifiers: Orphanet 144, MedGen C1833477, MONDO:0013710, OMIM 614350. Disease mechanism: loss of function.

Allele frequency attached by ClinVar (database versions not stated): gnomAD exomes below 0.00001.

Submissions (6):

Color Diagnostics, LLC DBA Color Health
Classification: Pathogenic for Hereditary cancer-predisposing syndrome. Last evaluated: 2025-03-17. Review status: criteria provided, single submitter. Criteria: ACMG Guidelines, 2015. Collection method: clinical testing. Allele origin: germline.
Comment: This variant changes 1 nucleotide in exon 4 of the MSH6 gene, creating a premature translation stop signal. This variant is expected to result in an absent or non-functional protein product. This variant has been reported in individuals affected with endometrial cancer, with some individual's tumor data showing loss of MSH6 expression via immunohistochemistry (PMID: 24244552, 29750335). One of the tumors with loss of MSH6 expression demonstrated microsatellite stability, but this individual was also affected with synchronous ovarian cancer. Another individual's tumor displayed intact MSH6 protein but demonstrated microsatellite instability (PMID: 24244552). The variant has also been observed in an individual affected with breast cancer, who had a family history of multiple cancer types associated with Lynch syndrome (PMID: 26270727). This variant has not been identified in the general population by the Genome Aggregation Database (gnomAD). Loss of MSH6 function is a known mechanism of disease. Based on the available evidence, this variant is classified as Pathogenic.

All of Us Research Program, National Institutes of Health
Classification: Pathogenic for Lynch syndrome. Last evaluated: 2024-08-23. Review status: criteria provided, single submitter. Criteria: ACMG Guidelines, 2015. Collection method: clinical testing. Allele origin: germline. Inheritance: Autosomal dominant inheritance. Observed: 1 variant allele, 1 heterozygote.
Comment: This variant changes 1 nucleotide in exon 4 of the MSH6 gene, creating a premature translation stop signal. This variant is expected to result in an absent or non-functional protein product. This variant has been reported in individuals affected with endometrial cancer, with some individual's tumor data showing loss of MSH6 expression via immunohistochemistry (PMID: 24244552, 29750335). One of the tumors with loss of MSH6 expression demonstrated microsatellite stability, but this individual was also affected with synchronous ovarian cancer. Another individual's tumor displayed intact MSH6 protein but demonstrated microsatellite instability (PMID: 24244552). The variant has also been observed in an individual affected with breast cancer, who had a family history of multiple cancer types associated with Lynch syndrome (PMID: 26270727). This variant has not been identified in the general population by the Genome Aggregation Database (gnomAD). Loss of MSH6 function is a known mechanism of disease. Based on the available evidence, this variant is classified as Pathogenic.

This study involves interpretation of variants in research participants for the purpose of population health screening. Participant phenotype was not available at the time of variant classification. Additional details can be found in publication PMID: 35346344, PMCID: PMC8962531

Myriad Genetics, Inc.
Classification: Pathogenic for Lynch syndrome 5. Last evaluated: 2023-08-14. Review status: criteria provided, single submitter. Criteria: Myriad Autosomal Dominant, Autosomal Recessive and X-Linked Classification Criteria (2023). Collection method: clinical testing. Allele origin: unknown.
Comment: This variant is considered pathogenic. This variant creates a termination codon and is predicted to result in premature protein truncation.

Ambry Genetics
Classification: Pathogenic for Hereditary cancer-predisposing syndrome. Last evaluated: 2022-03-22. Review status: criteria provided, single submitter. Criteria: Ambry Variant Classification Scheme 2023. Collection method: clinical testing. Allele origin: germline.
Comment: The p.W456* pathogenic mutation (also known as c.1367G>A), located in coding exon 4 of the MSH6 gene, results from a G to A substitution at nucleotide position 1367. This changes the amino acid from a tryptophan to a stop codon within coding exon 4. In one study, p.W456* was identified in two unrelated endometrial cancer patients, including one who had a synchronous ovarian cancer diagnosis (Egoavil C et al. PLoS One. 2013 Nov 7;8(11):e79737). This pathogenic mutation has also been detected in an individual diagnosed with endometrial cancer whose tumor showed a loss of MSH6 on IHC (Adar T et al. Cancer. 2018 Aug;124:3145-3153). This variant is considered to be rare based on population cohorts in the Genome Aggregation Database (gnomAD). In addition to the clinical data presented in the literature, this alteration is expected to result in loss of function by premature protein truncation or nonsense-mediated mRNA decay. As such, this alteration is interpreted as a disease-causing mutation.

Labcorp Genetics (formerly Invitae), Labcorp
Classification: Pathogenic for Hereditary nonpolyposis colorectal neoplasms. Last evaluated: 2021-11-23. Review status: criteria provided, single submitter. Criteria: Invitae Variant Classification Sherloc (09022015). Collection method: clinical testing. Allele origin: germline.
Comment: For these reasons, this variant has been classified as Pathogenic. ClinVar contains an entry for this variant (Variation ID: 132710). This premature translational stop signal has been observed in individual(s) with Lynch syndrome (PMID: 24244552). This variant is not present in population databases (gnomAD no frequency). This sequence change creates a premature translational stop signal (p.Trp456*) in the MSH6 gene. It is expected to result in an absent or disrupted protein product. Loss-of-function variants in MSH6 are known to be pathogenic (PMID: 18269114, 24362816).

GeneDx
Classification: Pathogenic. Last evaluated: 2018-02-21. Review status: criteria provided, single submitter. Criteria: GeneDx Variant Classification (06012015). Collection method: clinical testing. Allele origin: germline. Affected: yes.
Comment: This pathogenic variant is denoted MSH6 c.1367G>A at the cDNA level and p.Trp456Ter (W456X) at the protein level. The substitution creates a nonsense variant, which changes a Tryptophan to a premature stop codon (TGG>TAG), and is predicted to cause loss of normal protein function through either protein truncation or nonsense-mediated mRNA decay. This variant has been reported in two individuals with endometrial cancer and in an individual with a personal history of breast cancer and a family history of multiple cancers, including breast, colon, and endometrial (Egoavil 2013, Desmond 2015). We consider this variant to be pathogenic.

Literature cited by the submitters: PubMed 24244552 (cited by 4 submitters); PubMed 26270727 (cited by 3 submitters); PubMed 29750335 (cited by 3 submitters); PubMed 18269114 (cited by Labcorp Genetics (formerly Invitae), Labcorp); PubMed 24362816 (cited by Labcorp Genetics (formerly Invitae), Labcorp).

NM_000179.3(MSH6):c.1367G>A (p.Trp456Ter)

Gene: MSH6 (mutS homolog 6; plus strand). Cytogenetic location: 2p16.3.
Variant type: single nucleotide variant.
Coding change: c.1367G>A on transcript NM_000179.3 (MANE Select); coding-DNA position 1367, G replaced by A.
Protein change: p.Trp456Ter; replaces tryptophan 456 with a stop codon.
Molecular consequence: nonsense.
Genome position (GRCh38, 1-based): chr2:47,799,350, G>A. VCF-style: chr2-47799350-G-A. GRCh37 (hg19) VCF-style: chr2-48026489-G-A.
Other names: c.977G>A, p.Trp326Ter (NM_001281492.2); c.461G>A, p.Trp154Ter (NM_001281493.2, NM_001281494.2); short protein forms W456*, W326*, W154*.
Identifiers: ClinVar variation 132710 (VCV000132710.14), dbSNP rs587780538, ClinGen allele CA008538.
Genomic context (GRCh38, chr2:47,799,350, plus strand): 5'-ACCACATGGATGCTCTTATTGGAGTCAGTGAACTGGGGCTGGTATTCATGAAAGGCAACT[G>A]GGCCCATTCTGGCTTTCCTGAAATTGCATTTGGCCGTTATTCAGATTCCCTGGTGCAGAA-3'